The following is an entry in ClinVar:

ClinVar aggregate classification (germline): not provided (0 of 4 stars; one submission).

Conditions:
Gestational diabetes mellitus uncontrolled. Identifiers: MedGen C3532257.

Submission:

Institute of Molecular and Cell Biology, University of Tartu
No classification provided. Condition: Gestational diabetes mellitus uncontrolled. Review status: no classification provided. Collection method: case-control. Allele origin: unknown. Affected: yes. Study: Kasak2014.
Comment: The study aimed to determine the contribution of copy number variants in the genetic etiology of normal and complicated pregnancies. The samples represented (i) maternal blood DNA drawn from healthy pregnant women during 1st or 2nd trimester and (ii) maternal and paternal blood DNA drawn at term pregnancy cases representing normal and complicated gestations (severe preeclampsia, PE; gestational diabetes, GD; small-for-gestational age newborn, SGA; large-for-gestational age newborn, LGA). We performed CNV calling based on genome-wide genotyping dataset (Illumina HumanOmniExpress-24-v1 BeadChip) by applying three algorithms, QuantiSNP, GADA (Genome Alteration Detection Algorithm) and CNstream in parallel. The acquired CNV calls were merged with HD-CNV (Hotspot Detector for Copy Number Variants) program and only the CNVs predicted by at least two programs, were considered in subsequent analysis.

Literature cited by the submitters: PubMed 25666259.

NC_000004.12:g.153660056_153664770del

Variant type: Deletion.
Genome position: GRCh38: chr4:153,660,056-153,664,770. GRCh37 (hg19): chr4:154,581,208-154,585,922.
Identifiers: ClinVar variation 156935 (VCV000156935.3), ClinGen allele CA212092.